The following is an entry in ClinVar:

ClinVar aggregate classification (germline): Pathogenic. Review status: reviewed by expert panel (3 of 4 stars). 5 submissions from 5 submitters: Pathogenic (1). 4 of the submissions do not count toward it. Last evaluated 2016-10-18.

Conditions:
Breast carcinoma. Also called: Carcinoma of breast. Identifiers: MedGen C0678222, MONDO:0004989, HP:0003002.
Breast-ovarian cancer, familial, susceptibility to, 1 (BROVCA1). Also called: BRCA1 Hereditary Breast and Ovarian Cancer; OVARIAN CANCER, SUSCEPTIBILITY TO. Identifiers: Orphanet 145, MedGen C2676676, MONDO:0011450, OMIM 604370. Disease mechanism: loss of function.

Submissions (5):

Evidence-based Network for the Interpretation of Germline Mutant Alleles (ENIGMA)
Classification: Pathogenic for Breast-ovarian cancer, familial, susceptibility to, 1. Last evaluated: 2016-10-18. Review status: reviewed by expert panel. Criteria: ENIGMA BRCA1/2 Classification Criteria (2015). Collection method: curation. Allele origin: germline.
Comment: Variant allele predicted to encode a truncated non-functional protein.

KCCC/NGS Laboratory, Kuwait Cancer Control Center
Classification: Pathogenic for Breast-ovarian cancer, familial, susceptibility to, 1. Last evaluated: 2024-01-08. Review status: criteria provided, single submitter. Criteria: ACMG Guidelines, 2015. Collection method: clinical testing. Allele origin: germline. Inheritance: Autosomal dominant inheritance. Affected: yes. Observed: 1 heterozygote. Not counted in ClinVar's aggregate classification.
Comment: This sequence change creates a premature translational stop signal (p.Asn1354fs*12) in the BRCA1 gene. It is expected to result in an absent or disrupted protein product. Loss-of-function variants in BRCA1 are known to be pathogenic (PMID: 20104584). This variant not found in gnomAD database.ClinVar contains an entry for this variant (Variation ID: 266434) with 3 submissions, 3stars reviewed by expert panel and all of which describe this variant as pathogenic. Therefore, this variant has been classified as pathogenic.

Consortium of Investigators of Modifiers of BRCA1/2 (CIMBA), c/o University of Cambridge
Classification: Pathogenic for Breast-ovarian cancer, familial, susceptibility to, 1. Last evaluated: 2015-10-02. Review status: criteria provided, single submitter. Criteria: CIMBA Mutation Classification guidelines May 2016. Collection method: clinical testing. Allele origin: germline. Not counted in ClinVar's aggregate classification.

Medical Genetics Laboratory, Umraniye Training and Research Hospital, University of Health Sciences
Classification: Pathogenic for Breast carcinoma. Last evaluated: 2021-09-12. Review status: no assertion criteria provided. Collection method: clinical testing. Allele origin: germline. Inheritance: Autosomal dominant inheritance. Affected: yes. Observed: 1 heterozygote. Not counted in ClinVar's aggregate classification.

BRCAlab, Lund University
Classification: Pathogenic for Breast-ovarian cancer, familial, susceptibility to, 1. Last evaluated: 2020-03-02. Review status: no assertion criteria provided. Collection method: clinical testing. Allele origin: germline. Affected: yes. Not counted in ClinVar's aggregate classification.

NM_007294.4(BRCA1):c.4062_4066del (p.Asn1354fs)

Genes: BRCA1 (BRCA1 DNA repair associated; minus strand), LOC126862571 (BRD4-independent group 4 enhancer GRCh37_chr17:41243136-41244335; plus strand). Cytogenetic location: 17q21.31.
Variant type: Deletion.
Coding change: c.4062_4066del on transcript NM_007294.4 (MANE Select); coding-DNA positions 4062 to 4066, 5 bases deleted (TAATC; older notation c.4062_4066delTAATC).
Protein change: p.Asn1354fs; shifts the reading frame from asparagine 1354.
Molecular consequence: frameshift variant. On other transcripts: intron variant (135).
Genome position (GRCh38, 1-based): chr17:43,091,465-43,091,469, GATTA deleted on the plus strand (TAATC on the coding strand, the reverse complement: BRCA1 is on the minus strand). VCF-style (leftmost placement, unchanged base first): chr17-43091464-TGATTA-T. GRCh37 (hg19) VCF-style: chr17-41243481-TGATTA-T.
Other names: 4181del5; c.4062_4066del (NM_007300.3); c.3921_3925del, p.Asn1307fs (NM_001407851.1, NM_001407852.1, NM_001407942.1 and 29 more transcripts); c.3849_3853del, p.Asn1283fs (NM_001407853.1, NM_001407894.1, NM_001407895.1 and 9 more transcripts); c.4062_4066del, p.Asn1354fs (NM_001407854.1, NM_001407858.1, NM_001407859.1 and 30 more transcripts); c.4059_4063del, p.Asn1353fs (NM_001407860.1, NM_001407861.1, NM_001407587.1 and 22 more transcripts); c.3861_3865del, p.Asn1287fs (NM_001407862.1); c.3939_3943del, p.Asn1313fs (NM_001407863.1, NM_001407919.1, NM_001407937.1 and 19 more transcripts); and 44 more; short protein forms N1354fs, N1307fs, N1243fs, N1266fs, N1327fs, N1353fs, N486fs, N1186fs.
Identifiers: ClinVar variation 266434 (VCV000266434.10), dbSNP rs886040192, ClinGen allele CA10589697.
Genomic context (GRCh38, chr17:43,091,464, plus strand): 5'-TGGGGCAAACACAAAAACCTGGTTCCAATACCTAAGTTTGAATCCATGCTTTGCTCTTCT[TGATTA>T]TTTTCTTCCAAGCCCGTTCCTCTTTCTTCATCATCTGAAACCAATTCCTTGTCACTCAGA-3'